The following is an entry in ClinVar:

NM_018975.4(TERF2IP):c.467G>C (p.Ser156Thr)

Gene: TERF2IP (TERF2 interacting protein; plus strand). Cytogenetic location: 16q23.1.
Variant type: single nucleotide variant.
Coding change: c.467G>C on transcript NM_018975.4 (MANE Select); coding-DNA position 467, G replaced by C.
Protein change: p.Ser156Thr; replaces serine 156 with threonine.
Molecular consequence: missense variant. On other transcripts: non-coding transcript variant (1).
Genome position (GRCh38, 1-based): chr16:75,648,349, G>C. VCF-style: chr16-75648349-G-C. GRCh37 (hg19) VCF-style: chr16-75682247-G-C.
Other names: short protein forms S156T.
Identifiers: ClinVar variation 2625588 (VCV002625588.2), dbSNP rs770718613, ClinGen allele CA396817963.
Genomic context (GRCh38, chr16:75,648,349, plus strand): 5'-TCACGGATGCGGACGACGTAGCCATCCTTACCTACGTGAAGGAAAATGCCCGCTCGCCCA[G>C]CTCCGTCACCGGTAACGCCTTGTGGAAAGCGATGGAGAAGAGCTCGCTCACGCAGCACTC-3'
Protein context (NP_061848.2, residues 146-166): TYVKENARSP[Ser156Thr]SVTGNALWKA

ClinVar aggregate classification (germline): Uncertain significance (1 of 4 stars; one submission).

Allele frequency attached by ClinVar (database versions not stated): TOPMed below 0.00001.

Submission:

Ambry Genetics
Classification: Uncertain significance. Last evaluated: 2023-07-15. Review status: criteria provided, single submitter. Criteria: Ambry Variant Classification Scheme 2023. Collection method: clinical testing. Allele origin: germline.
Comment: The p.S156T variant (also known as c.467G>C), located in coding exon 1 of the TERF2IP gene, results from a G to C substitution at nucleotide position 467. The serine at codon 156 is replaced by threonine, an amino acid with similar properties. This amino acid position is conserved. In addition, this alteration is predicted to be tolerated by in silico analysis. Since supporting evidence is limited at this time, the clinical significance of this alteration remains unclear.